The following is an entry in ClinVar:

NM_001040108.2(MLH3):c.1794T>C (p.Tyr598=)

Gene: MLH3 (mutL homolog 3; minus strand). Cytogenetic location: 14q24.3.
Variant type: single nucleotide variant.
Coding change: c.1794T>C on transcript NM_001040108.2 (MANE Select); coding-DNA position 1794, T replaced by C.
Protein change: p.Tyr598=; no amino-acid change (tyrosine 598 retained).
Molecular consequence: synonymous variant.
Genome position (GRCh38, 1-based): chr14:75,047,862, A>G on the plus strand (T>C on the coding strand, the complement: MLH3 is on the minus strand). VCF-style: chr14-75047862-A-G. GRCh37 (hg19) VCF-style: chr14-75514565-A-G.
Other names: c.1794T>C, p.Tyr598= (NM_014381.3).
Identifiers: ClinVar variation 699865 (VCV000699865.15), dbSNP rs139018020, ClinGen allele CA7275817.

ClinVar aggregate classification (germline): Benign/Likely benign. Review status: criteria provided, multiple submitters, no conflicts (2 of 4 stars). 4 submissions from 4 submitters: Benign (1); Likely benign (3). Last evaluated 2026-04-30.

Conditions:
Colorectal cancer, hereditary nonpolyposis, type 7. Identifiers: Orphanet 144, MedGen C1858380, MONDO:0013725, OMIM 614385.

Allele frequency attached by ClinVar (database versions not stated): gnomAD 0.00001; gnomAD exomes 0.00004; ESP Exome Variant Server 0.00008; ExAC 0.00004; TOPMed 0.00001.
gnomAD v4.1: 54 of 1,613,122 alleles (0.0033%); highest among the groups gnomAD compares: Admixed American, 0.0067%; no homozygotes.

Submissions (4):

Myriad Genetics, Inc.
Classification: Benign for Colorectal cancer, hereditary nonpolyposis, type 7. Last evaluated: 2026-04-30. Review status: criteria provided, single submitter. Criteria: Myriad Autosomal Dominant, Autosomal Recessive and X-Linked Classification Criteria (2023). Collection method: clinical testing. Allele origin: unknown.
Comment: This variant is considered benign. This variant is a silent/synonymous amino acid change and it is not expected to impact splicing.

Center for Genomic Medicine, Rigshospitalet, Copenhagen University Hospital
Classification: Likely benign. Last evaluated: 2025-03-04. Review status: criteria provided, single submitter. Criteria: ACMG Guidelines, 2015. Collection method: clinical testing. Allele origin: germline.

Labcorp Genetics (formerly Invitae), Labcorp
Classification: Likely benign for Colorectal cancer, hereditary nonpolyposis, type 7. Last evaluated: 2024-08-28. Review status: criteria provided, single submitter. Criteria: Invitae Variant Classification Sherloc (09022015). Collection method: clinical testing. Allele origin: germline.

Ambry Genetics
Classification: Likely benign. Last evaluated: 2021-04-15. Review status: criteria provided, single submitter. Criteria: Ambry Variant Classification Scheme 2023. Collection method: clinical testing. Allele origin: germline.